The following is an entry in ClinVar:

NM_002181.4(IHH):c.937C>G (p.Gln313Glu)

Gene: IHH (Indian hedgehog signaling molecule; minus strand). Cytogenetic location: 2q35.
Variant type: single nucleotide variant.
Coding change: c.937C>G on transcript NM_002181.4 (MANE Select); coding-DNA position 937, C replaced by G.
Protein change: p.Gln313Glu; replaces glutamine 313 with glutamic acid.
Molecular consequence: missense variant.
Genome position (GRCh38, 1-based): chr2:219,055,506, G>C on the plus strand (C>G on the coding strand, the complement: IHH is on the minus strand). VCF-style: chr2-219055506-G-C. GRCh37 (hg19) VCF-style: chr2-219920228-G-C.
Other names: short protein forms Q313E.
Identifiers: ClinVar variation 2331986 (VCV002331986.5), dbSNP rs563762011, ClinGen allele CA65947898.
Genomic context (GRCh38, chr2:219,055,506, plus strand): 5'-TGAGCGGGGCGTAGGCCCCGAGGGCCACGTGTGTAGAGACAGCTGCCACGCGGGCAGGCT[G>C]CAGGCCTGGCACCCCAGCCACCAGCACGTACTGGCCAGGCTGCACGTGGCTGGCAAATGT-3'
Protein context (NP_002172.2, residues 303-323): YVLVAGVPGL[Gln313Glu]PARVAAVSTH

ClinVar aggregate classification (germline): Uncertain significance. Review status: criteria provided, multiple submitters, no conflicts (2 of 4 stars). 2 submissions from 2 submitters: Uncertain significance (2). Last evaluated 2023-09-12.

Conditions:
Inborn genetic diseases. Identifiers: MedGen C0950123, MeSH D030342.

Allele frequency attached by ClinVar (database versions not stated): 1000 Genomes Project 30x 0.00016; 1000 Genomes Project 0.00020.
gnomAD v4.1: 2 of 1,610,142 alleles (0.00012%); highest among the groups gnomAD compares: East Asian, 0.0045%; no homozygotes.

Submissions (2):

Labcorp Genetics (formerly Invitae), Labcorp
Classification: Uncertain significance. Last evaluated: 2023-09-12. Review status: criteria provided, single submitter. Criteria: Invitae Variant Classification Sherloc (09022015). Collection method: clinical testing. Allele origin: germline.
Comment: In summary, the available evidence is currently insufficient to determine the role of this variant in disease. Therefore, it has been classified as a Variant of Uncertain Significance. Advanced modeling of protein sequence and biophysical properties (such as structural, functional, and spatial information, amino acid conservation, physicochemical variation, residue mobility, and thermodynamic stability) performed at Invitae indicates that this missense variant is not expected to disrupt IHH protein function. ClinVar contains an entry for this variant (Variation ID: 2331986). This sequence change replaces glutamine, which is neutral and polar, with glutamic acid, which is acidic and polar, at codon 313 of the IHH protein (p.Gln313Glu). This variant has not been reported in the literature in individuals affected with IHH-related conditions. This variant is not present in population databases (gnomAD no frequency).

Ambry Genetics
Classification: Uncertain significance for Inborn genetic diseases. Last evaluated: 2022-12-02. Review status: criteria provided, single submitter. Criteria: Ambry Variant Classification Scheme 2023. Collection method: clinical testing. Allele origin: germline.